The following is an entry in ClinVar:

NM_002292.4(LAMB2):c.116T>A (p.Val39Glu)

Gene: LAMB2 (laminin subunit beta 2; minus strand). Cytogenetic location: 3p21.31.
Variant type: single nucleotide variant.
Coding change: c.116T>A on transcript NM_002292.4 (MANE Select); coding-DNA position 116, T replaced by A.
Protein change: p.Val39Glu; replaces valine 39 with glutamic acid.
Molecular consequence: missense variant.
Genome position (GRCh38, 1-based): chr3:49,132,624, A>T on the plus strand (T>A on the coding strand, the complement: LAMB2 is on the minus strand). VCF-style: chr3-49132624-A-T. GRCh37 (hg19) VCF-style: chr3-49170057-A-T.
Other names: short protein forms V39E.
Identifiers: ClinVar variation 2265429 (VCV002265429.5), dbSNP rs577456934, ClinGen allele CA2395038.

ClinVar aggregate classification (germline): Uncertain significance. Review status: criteria provided, multiple submitters, no conflicts (2 of 4 stars). 2 submissions from 2 submitters: Uncertain significance (2). Last evaluated 2023-07-13.

Conditions:
LAMB2-related infantile-onset nephrotic syndrome. Also called: NEPHROTIC SYNDROME, TYPE 5, WITHOUT OCULAR ABNORMALITIES; NEPHROTIC SYNDROME, TYPE 5, WITH OCULAR ABNORMALITIES; Nephrotic Syndrome, type 5. Identifiers: Orphanet 306507, MedGen C3280113, MONDO:0013621, OMIM 614199.
Pierson syndrome. Also called: MICROCORIA-CONGENITAL NEPHROTIC SYNDROME. Identifiers: Orphanet 2670, MedGen C1836876, MONDO:0012184, OMIM 609049.
Inborn genetic diseases. Identifiers: MedGen C0950123, MeSH D030342.

Allele frequency attached by ClinVar (database versions not stated): gnomAD exomes 0.00003; 1000 Genomes Project 0.00020; 1000 Genomes Project 30x 0.00031.

Submissions (2):

Labcorp Genetics (formerly Invitae), Labcorp
Classification: Uncertain significance for LAMB2-related infantile-onset nephrotic syndrome; Pierson syndrome. Last evaluated: 2023-07-13. Review status: criteria provided, single submitter. Criteria: Invitae Variant Classification Sherloc (09022015). Collection method: clinical testing. Allele origin: germline.
Comment: In summary, the available evidence is currently insufficient to determine the role of this variant in disease. Therefore, it has been classified as a Variant of Uncertain Significance. Algorithms developed to predict the effect of sequence changes on RNA splicing suggest that this variant may disrupt the consensus splice site. An algorithm developed to predict the effect of missense changes on protein structure and function (PolyPhen-2) suggests that this variant is likely to be tolerated. ClinVar contains an entry for this variant (Variation ID: 2265429). This variant has not been reported in the literature in individuals affected with LAMB2-related conditions. This variant is present in population databases (rs577456934, gnomAD 0.05%), including at least one homozygous and/or hemizygous individual. This sequence change replaces valine, which is neutral and non-polar, with glutamic acid, which is acidic and polar, at codon 39 of the LAMB2 protein (p.Val39Glu).

Ambry Genetics
Classification: Uncertain significance for Inborn genetic diseases. Last evaluated: 2021-12-07. Review status: criteria provided, single submitter. Criteria: Ambry Variant Classification Scheme 2023. Collection method: clinical testing. Allele origin: germline.